The following is an entry in ClinVar:

NM_007294.4(BRCA1):c.81-672C>G

Gene: BRCA1 (BRCA1 DNA repair associated; minus strand). Cytogenetic location: 17q21.31.
Variant type: single nucleotide variant.
Coding change: c.81-672C>G on transcript NM_007294.4 (MANE Select); 672 bases into the intron before coding-DNA position 81, C replaced by G.
Molecular consequence: intron variant.
Genome position (GRCh38, 1-based): chr17:43,116,451, G>C on the plus strand (C>G on the coding strand, the complement: BRCA1 is on the minus strand). VCF-style: chr17-43116451-G-C. GRCh37 (hg19) VCF-style: chr17-41268468-G-C.
Other names: IVS 2-672C>G; c.-61-672C>G (NM_001408458.1, NM_001408470.1, NM_001407848.1 and 47 more transcripts); c.-219+8826C>G (NM_001407967.1); c.-170+8826C>G (NM_001407959.1); c.-8+8826C>G (NM_001407931.1, NM_001407747.1); c.-223-672C>G (NM_001407962.1, NM_001408512.1, NM_001408510.1 and 1 more transcripts); c.-108-672C>G (NM_001407885.1, NM_001407886.1, NM_001408509.1 and 52 more transcripts); c.-177-672C>G (NM_001407746.1, NM_001408468.1, NM_001407842.1 and 13 more transcripts); and 12 more.
Identifiers: ClinVar variation 209538 (VCV000209538.2), dbSNP rs114323360, ClinGen allele CA276507.

ClinVar aggregate classification (germline): Benign (3 of 4 stars; one submission).

Conditions:
Breast-ovarian cancer, familial, susceptibility to, 1 (BROVCA1). Also called: BRCA1 Hereditary Breast and Ovarian Cancer; OVARIAN CANCER, SUSCEPTIBILITY TO. Identifiers: Orphanet 145, MedGen C2676676, MONDO:0011450, OMIM 604370. Disease mechanism: loss of function.

Allele frequency attached by ClinVar (database versions not stated): gnomAD 0.01370 and 0.01449; 1000 Genomes Project 0.01597; TOPMed 0.01602; 1000 Genomes Project 30x 0.01671.
gnomAD v4.1: 2,067 of 152,250 alleles (1.4%); highest among the groups gnomAD compares: African/African-American, 4.6%; 36 homozygotes.

Submission:

Evidence-based Network for the Interpretation of Germline Mutant Alleles (ENIGMA)
Classification: Benign for Breast-ovarian cancer, familial 1. Last evaluated: 2015-01-12. Review status: reviewed by expert panel. Criteria: ENIGMA BRCA1/2 Classification Criteria (2015). Collection method: curation. Allele origin: germline.
Comment: Class 1 not pathogenic based on frequency >1% in an outbred sampleset. Frequency 0.03455 (African), derived from 1000 genomes (2012-04-30).